The following continues an entry in ClinVar:

NC_012920.1(MT-TK):m.8344A>G

Gene: MT-TK. ClinVar aggregate classification (germline): Pathogenic. Pathogenic (1).

Submissions 10 to 23 of 23:

Breda Genetics srl
Classification: Pathogenic for MT-TK-related mitochondrial disorder. Last evaluated: 2021-07-20. Review status: criteria provided, single submitter. Criteria: ACMG Guidelines, 2015. Collection method: clinical testing. Allele origin: maternal. Inheritance: Mitochondrial inheritance. Affected: yes. Not counted in ClinVar's aggregate classification.
Comment: The variant m.8344A>G in the MT-TK gene is reported as pathogenic for MERRF and other mitochondrial diseases in MITOMAP database. This variant is reported as pathogenic for MERRF syndrome, Leigh syndrome and mitochondrial disorder in ClinVar (Variation ID: 9579). The variant is reported with a frequency of 0.008% in the current dataset of full-length mitochondrial sequences from GenBank. The variant m.8344A>G is the most common variant identified in patients with MERRF (myoclonic epilepsy with ragged red fibers), accounting for about 80% of cases (Velez-Bartolomei et al., 2021, PMID: 20301693). However, this variant has also been reported in patients with other forms of mitochondrial diseases, such as Leigh syndrome (Tsao et al., 2003, PMID: 12661941), cavitating leukoencephalopathy (Biancheri et al., 2010, PMID: 20581069) and Parkinson disease (OMIM * 590060). The variant has also been reported as pathogenic by Wong and colleagues in the recent article on mitochondrial tRNA variant interpretation (PMID: 31965079).

Undiagnosed Diseases Network, NIH
Classification: Pathogenic for MERRF syndrome. Last evaluated: 2020-07-09. Review status: criteria provided, single submitter. Criteria: ACMG Guidelines, 2015. Collection method: clinical testing. Allele origin: maternal. Inheritance: Mitochondrial inheritance. Affected: yes. Observed: 1 variant allele, 1 heterozygote. Study: Undiagnosed Diseases Network (NIH), UDN. Not counted in ClinVar's aggregate classification.
Comment: This is a known pathogenic variant that accounts for about 80% of individuals with MERRF.

CeGaT Center for Human Genetics Tuebingen
Classification: Pathogenic. Last evaluated: 2019-12-01. Review status: criteria provided, single submitter. Criteria: Praxis fuer Humangenetik Tuebingen - Variant Classification Criteria. Collection method: clinical testing. Allele origin: germline. Affected: yes. Not counted in ClinVar's aggregate classification.

Wong Mito Lab, Molecular and Human Genetics, Baylor College of Medicine
Classification: Pathogenic for MELAS syndrome. Last evaluated: 2019-07-12. Review status: criteria provided, single submitter. Criteria: Modified ACMG Guidelines (Unpublished). Collection method: clinical testing. Allele origin: germline. Not counted in ClinVar's aggregate classification.
Comment: The NC_012920.1:m.8344A>G variant in MT-TK gene is interpreted to be a Pathogenic variant based on the modified ACMG guidelines (unpublished). This variant meets the following evidence codes reported in the guidelines: PS3, PS5

ARUP Laboratories, Molecular Genetics and Genomics, ARUP Laboratories
Classification: Pathogenic. Last evaluated: 2017-05-12. Review status: criteria provided, single submitter. Criteria: ARUP Molecular Germline Variant Investigation Process. Collection method: clinical testing. Allele origin: germline. Not counted in ClinVar's aggregate classification.

Center for Pediatric Genomic Medicine, Children's Mercy Hospital and Clinics
Classification: Pathogenic. Last evaluated: 2014-08-26. Review status: criteria provided, single submitter. Criteria: ACMG Guidelines, 2015. Collection method: clinical testing. Allele origin: germline. Not counted in ClinVar's aggregate classification.

Undiagnosed Diseases Network, NIH
Classification: Pathogenic for MT-TK Related Disorder. Last evaluated: 2023-03-09. Review status: no assertion criteria provided. Collection method: clinical testing. Allele origin: maternal. Affected: yes. Observed: 2 variant alleles, 1 heterozygote. Study: Undiagnosed Diseases Network (NIH), UDN. Not counted in ClinVar's aggregate classification.

Solve-RD Consortium
Classification: Likely pathogenic for Complex hereditary spastic paraplegia. Last evaluated: 2022-06-01. Review status: no assertion criteria provided. Collection method: provider interpretation. Allele origin: maternal. Affected: yes. Not counted in ClinVar's aggregate classification.
Comment: Variant confirmed as disease-causing by referring clinical team

Variant identified during reanalysis of unsolved cases by the Solve-RD project. The Solve-RD project has received funding from the European Union’s Horizon 2020 research and innovation programme under grant agreement No 779257.

Mitochondrial Research Group, Newcastle University
Classification: Pathogenic for Mitochondrial disease. Last evaluated: 2017-05-22. Review status: no assertion criteria provided. Collection method: clinical testing. Allele origin: germline. Affected: yes. Observed: 7 variant alleles. Not counted in ClinVar's aggregate classification.

OMIM
Classification: Pathogenic for MERRF SYNDROME. Last evaluated: 2010-10-01. Review status: no assertion criteria provided. Collection method: literature only. Allele origin: germline. Not counted in ClinVar's aggregate classification.

OMIM
Classification: Pathogenic for LEIGH SYNDROME. Last evaluated: 2010-10-01. Review status: no assertion criteria provided. Collection method: literature only. Allele origin: germline. Not counted in ClinVar's aggregate classification.

OMIM
Classification: Pathogenic for PARKINSON DISEASE, MITOCHONDRIAL. Last evaluated: 2010-10-01. Review status: no assertion criteria provided. Collection method: literature only. Allele origin: germline. Not counted in ClinVar's aggregate classification.

GeneReviews
No classification provided. Condition: Leigh syndrome. Review status: no classification provided. Collection method: literature only. Allele origin: germline. Not counted in ClinVar's aggregate classification.

GeneReviews
No classification provided. Condition: MERRF syndrome. Review status: no classification provided. Collection method: literature only. Allele origin: maternal. Not counted in ClinVar's aggregate classification.
Comment: Most common pathogenic variant; identified in more than 80% of persons w/MERRF

Literature cited by the submitters: PubMed 1848674 (cited by 3 submitters); PubMed 7739567 (cited by 3 submitters); PubMed 1910259 (cited by 4 submitters); PubMed 23635963 (cited by 3 submitters); PubMed 2112427 (cited by 4 submitters); PubMed 20301693 (cited by Johns Hopkins Genomics, Johns Hopkins University and GeneReviews); PubMed 31965079 (cited by Wong Mito Lab, Molecular and Human Genetics, Baylor College of Medicine); PubMed 1678125 (cited by Wong Mito Lab, Molecular and Human Genetics, Baylor College of Medicine and OMIM); PubMed 39825153 (cited by Solve-RD Consortium); PubMed 2124116 (cited by OMIM); PubMed 1661776 (cited by OMIM); PubMed 1900002 (cited by OMIM); PubMed 1910341 (cited by OMIM); PubMed 1899320 (cited by OMIM); PubMed 1334369 (cited by OMIM); PubMed 8069655 (cited by OMIM); PubMed 1487239 (cited by OMIM); PubMed 1463005 (cited by OMIM); PubMed 1324294 (cited by OMIM); PubMed 8170567 (cited by OMIM); PubMed 8513395 (cited by OMIM); PubMed 8264702 (cited by OMIM); PubMed 7647790 (cited by OMIM); PubMed 10699170 (cited by OMIM); PubMed 9529371 (cited by OMIM); PubMed 8602753 (cited by OMIM); PubMed 8198140 (cited by OMIM); PubMed 8447321 (cited by OMIM); PubMed 9674814 (cited by OMIM); PubMed 17200493 (cited by OMIM and GeneReviews); PubMed 20581069 (cited by OMIM); PubMed 27155576 (cited by OMIM); NCBI Bookshelf NBK1173 (cited by GeneReviews); PubMed 17275787 (cited by GeneReviews); PubMed 16551460 (cited by GeneReviews); PubMed 19269823 (cited by GeneReviews); PubMed 12784281 (cited by GeneReviews); PubMed 17293137 (cited by GeneReviews); PubMed 18657354 (cited by GeneReviews); PubMed 15164143 (cited by GeneReviews).